The following is an entry in ClinVar:

ClinVar aggregate classification (germline): Conflicting classifications of pathogenicity. Review status: criteria provided, conflicting classifications (1 of 4 stars). 3 submissions from 3 submitters: Uncertain significance (2); Benign (1). Last evaluated 2026-09-01.

Allele frequency attached by ClinVar (database versions not stated): gnomAD 0.00049 and 0.00050; ESP Exome Variant Server 0.00054; TOPMed 0.00070; ExAC 0.00072; 1000 Genomes Project 30x 0.00094; 1000 Genomes Project 0.00100.
gnomAD v4.1: 1,288 of 1,614,106 alleles (0.08%); highest among the groups gnomAD compares: Admixed American, 0.11%; 3 homozygotes.

Submissions (3):

CeGaT Center for Human Genetics Tuebingen
Classification: Benign. Last evaluated: 2026-09-01. Review status: criteria provided, single submitter. Criteria: CeGaT Center For Human Genetics Tuebingen Variant Classification Criteria Version 2. Collection method: clinical testing. Allele origin: germline. Affected: yes. Observed: 1 variant allele.
Comment: TRAP1: BS1, BS2

Labcorp Genetics (formerly Invitae), Labcorp
Classification: Uncertain significance. Last evaluated: 2025-10-21. Review status: criteria provided, single submitter. Criteria: Invitae Variant Classification Sherloc (09022015). Collection method: clinical testing. Allele origin: germline.
Comment: This sequence change replaces glutamic acid, which is acidic and polar, with lysine, which is basic and polar, at codon 442 of the TRAP1 protein (p.Glu442Lys). This variant is present in population databases (rs140501072, gnomAD 0.1%), and has an allele count higher than expected for a pathogenic variant. This missense change has been observed in individual(s) with congenital anomalies of the kidney and urinary tract (PMID: 24152966). ClinVar contains an entry for this variant (Variation ID: 1479541). Invitae Evidence Modeling of protein sequence and biophysical properties (such as structural, functional, and spatial information, amino acid conservation, physicochemical variation, residue mobility, and thermodynamic stability) indicates that this missense variant is not expected to disrupt TRAP1 protein function with a negative predictive value of 80%. In summary, the available evidence is currently insufficient to determine the role of this variant in disease. Therefore, it has been classified as a Variant of Uncertain Significance.

Breakthrough Genomics
Classification: Uncertain significance. Review status: criteria provided, single submitter. Criteria: ACMG Guidelines, 2015. Collection method: not provided. Allele origin: germline. Inheritance: Unknown mechanism. Affected: yes.

Literature cited by the submitters: PubMed 24152966 (cited by Labcorp Genetics (formerly Invitae), Labcorp).

NM_016292.3(TRAP1):c.1324G>A (p.Glu442Lys)

Gene: TRAP1 (TNF receptor associated protein 1; minus strand). Cytogenetic location: 16p13.3.
Variant type: single nucleotide variant.
Coding change: c.1324G>A on transcript NM_016292.3 (MANE Select); coding-DNA position 1324, G replaced by A.
Protein change: p.Glu442Lys; replaces glutamic acid 442 with lysine.
Molecular consequence: missense variant.
Genome position (GRCh38, 1-based): chr16:3,666,030, C>T on the plus strand (G>A on the coding strand, the complement: TRAP1 is on the minus strand). VCF-style: chr16-3666030-C-T. GRCh37 (hg19) VCF-style: chr16-3716031-C-T.
Other names: c.1165G>A, p.Glu389Lys (NM_001272049.2); short protein forms E389K, E442K.
Identifiers: ClinVar variation 1479541 (VCV001479541.8), dbSNP rs140501072, ClinGen allele CA7868153.